The following is an entry in ClinVar:

NM_007373.4(SHOC2):c.1555C>G (p.Leu519Val)

Gene: SHOC2 (SHOC2 leucine rich repeat scaffold protein; plus strand). Cytogenetic location: 10q25.2.
Variant type: single nucleotide variant.
Coding change: c.1555C>G on transcript NM_007373.4 (MANE Select); coding-DNA position 1555, C replaced by G.
Protein change: p.Leu519Val; replaces leucine 519 with valine.
Molecular consequence: missense variant. On other transcripts: non-coding transcript variant (1).
Genome position (GRCh38, 1-based): chr10:111,011,624, C>G. VCF-style: chr10-111011624-C-G. GRCh37 (hg19) VCF-style: chr10-112771382-C-G.
Other names: c.1417C>G, p.Leu473Val (NM_001269039.3); c.1555C>G, p.Leu519Val (NM_001324336.2, NM_001324337.2); short protein forms L519V, L473V.
Identifiers: ClinVar variation 1484743 (VCV001484743.9), dbSNP rs2134182984, ClinGen allele CA378525872.

ClinVar aggregate classification (germline): Uncertain significance. Review status: criteria provided, multiple submitters, no conflicts (2 of 4 stars). 3 submissions from 3 submitters: Uncertain significance (3). Last evaluated 2026-02-01.

Conditions:
Noonan syndrome-like disorder with loose anagen hair 1 (NSLH1). Also called: TOSTI SYNDROME; MAZZANTI SYNDROME. Identifiers: Orphanet 2701, MedGen C4478716, MONDO:0054637, OMIM 607721.
RASopathy. Also called: rasopathies; Noonan spectrum disorder. Identifiers: Orphanet 536391, MedGen C5555857, MONDO:0021060.

Allele frequency attached by ClinVar (database versions not stated): gnomAD exomes below 0.00001.
gnomAD v4.1: 3 of 1,612,974 alleles (0.00019%); highest among the groups gnomAD compares: Non-Finnish European, 0.00025%; no homozygotes.

Submissions (3):

Labcorp Genetics (formerly Invitae), Labcorp
Classification: Uncertain significance for RASopathy. Last evaluated: 2026-02-01. Review status: criteria provided, single submitter. Criteria: Invitae Variant Classification Sherloc (09022015). Collection method: clinical testing. Allele origin: germline.
Comment: This sequence change replaces leucine, which is neutral and non-polar, with valine, which is neutral and non-polar, at codon 519 of the SHOC2 protein (p.Leu519Val). This variant is not present in population databases (gnomAD no frequency). This variant has not been reported in the literature in individuals affected with SHOC2-related conditions. ClinVar contains an entry for this variant (Variation ID: 1484743). Invitae Evidence Modeling of protein sequence and biophysical properties (such as structural, functional, and spatial information, amino acid conservation, physicochemical variation, residue mobility, and thermodynamic stability) indicates that this missense variant is expected to disrupt SHOC2 protein function with a positive predictive value of 80%. In summary, the available evidence is currently insufficient to determine the role of this variant in disease. Therefore, it has been classified as a Variant of Uncertain Significance.

Women's Health and Genetics/Laboratory Corporation of America, LabCorp
Classification: Uncertain significance. Last evaluated: 2025-04-17. Review status: criteria provided, single submitter. Criteria: LabCorp Variant Classification Summary - May 2015. Collection method: clinical testing. Allele origin: germline.

Fulgent Genetics
Classification: Uncertain significance for Noonan syndrome-like disorder with loose anagen hair 1. Last evaluated: 2022-05-12. Review status: criteria provided, single submitter. Criteria: ACMG Guidelines, 2015. Collection method: clinical testing. Allele origin: unknown.